The following is an entry in ClinVar:

NM_002092.4(GRSF1):c.1104C>T (p.Pro368=)

Gene: GRSF1 (G-rich RNA sequence binding factor 1; minus strand). Cytogenetic location: 4q13.3.
Variant type: single nucleotide variant.
Coding change: c.1104C>T on transcript NM_002092.4 (MANE Select); coding-DNA position 1104, C replaced by T.
Protein change: p.Pro368=; no amino-acid change (proline 368 retained).
Molecular consequence: synonymous variant.
Genome position (GRCh38, 1-based): chr4:70,827,883, G>A on the plus strand (C>T on the coding strand, the complement: GRSF1 is on the minus strand). VCF-style: chr4-70827883-G-A. GRCh37 (hg19) VCF-style: chr4-71693600-G-A.
Other names: c.618C>T, p.Pro206= (NM_001098477.2).
Identifiers: ClinVar variation 2654798 (VCV002654798.24), dbSNP rs199581026, ClinGen allele CA2953588.

ClinVar aggregate classification (germline): Likely benign (1 of 4 stars; one submission).

Allele frequency attached by ClinVar (database versions not stated): 1000 Genomes Project 30x 0.00031; 1000 Genomes Project 0.00040; gnomAD 0.00055; TOPMed 0.00056; ExAC 0.00074; gnomAD exomes 0.00081; ESP Exome Variant Server 0.00092.

Submission:

CeGaT Center for Human Genetics Tuebingen
Classification: Likely benign. Last evaluated: 2022-12-01. Review status: criteria provided, single submitter. Criteria: CeGaT Center For Human Genetics Tuebingen Variant Classification Criteria Version 2. Collection method: clinical testing. Allele origin: germline. Affected: yes. Observed: 1 variant allele.
Comment: GRSF1: BP4, BP7